The following is an entry in ClinVar:

NM_002230.4(JUP):c.2191G>A (p.Asp731Asn)

Gene: JUP (junction plakoglobin; minus strand). Cytogenetic location: 17q21.2.
Variant type: single nucleotide variant.
Coding change: c.2191G>A on transcript NM_002230.4 (MANE Select); coding-DNA position 2191, G replaced by A.
Protein change: p.Asp731Asn; replaces aspartic acid 731 with asparagine.
Molecular consequence: missense variant.
Genome position (GRCh38, 1-based): chr17:41,755,791, C>T on the plus strand (G>A on the coding strand, the complement: JUP is on the minus strand). VCF-style: chr17-41755791-C-T. GRCh37 (hg19) VCF-style: chr17-39912043-C-T.
Other names: c.2191G>A, p.Asp731Asn (NM_001352773.2, NM_001352774.2, NM_001352775.2 and 3 more transcripts); short protein forms D731N.
Identifiers: ClinVar variation 958279 (VCV000958279.10), dbSNP rs782647137, ClinGen allele CA8564990.

ClinVar aggregate classification (germline): Conflicting classifications of pathogenicity. Review status: criteria provided, conflicting classifications (1 of 4 stars). 2 submissions from 2 submitters: Uncertain significance (1); Likely benign (1). Last evaluated 2025-07-10.

Conditions:
Naxos disease (NXD). Also called: CARDIOMYOPATHY, ARRHYTHMOGENIC RIGHT VENTRICULAR, WITH SKIN, HAIR, AND NAIL ABNORMALITIES; PALMOPLANTAR KERATODERMA WITH ARRHYTHMOGENIC RIGHT VENTRICULAR CARDIOMYOPATHY AND WOOLLY HAIR; WOOLLY HAIR, PALMOPLANTAR KERATODERMA, AND CARDIAC ABNORMALITIES; KERATOSIS PALMOPLANTARIS WITH ARRHYTHMOGENIC CARDIOMYOPATHY; MAL DE NAXOS. Identifiers: Orphanet 34217, MedGen C1832600, MONDO:0011017, OMIM 601214.
Arrhythmogenic right ventricular dysplasia 12. Also called: ARRHYTHMOGENIC RIGHT VENTRICULAR DYSPLASIA, FAMILIAL, 12. Identifiers: MedGen C1969081, MONDO:0012684, OMIM 611528.
Cardiovascular phenotype. Identifiers: MedGen CN230736.

Allele frequency attached by ClinVar (database versions not stated): gnomAD exomes 0.00001 and 0.00002; ExAC 0.00002; TOPMed 0.00002.
gnomAD v4.1: 11 of 1,612,160 alleles (0.00068%); highest among the groups gnomAD compares: Admixed American, 0.005%; no homozygotes.

Submissions (2):

Ambry Genetics
Classification: Likely benign for Cardiovascular phenotype. Last evaluated: 2025-07-10. Review status: criteria provided, single submitter. Criteria: Ambry Variant Classification Scheme 2023. Collection method: clinical testing. Allele origin: germline.

Labcorp Genetics (formerly Invitae), Labcorp
Classification: Uncertain significance for Arrhythmogenic right ventricular dysplasia 12; Naxos disease. Last evaluated: 2024-12-02. Review status: criteria provided, single submitter. Criteria: Invitae Variant Classification Sherloc (09022015). Collection method: clinical testing. Allele origin: germline.
Comment: This sequence change replaces aspartic acid, which is acidic and polar, with asparagine, which is neutral and polar, at codon 731 of the JUP protein (p.Asp731Asn). This variant is present in population databases (rs782647137, gnomAD 0.006%). This missense change has been observed in individual(s) with arrhythmogenic right ventricular cardiomyopathy (PMID: 25445213). ClinVar contains an entry for this variant (Variation ID: 958279). An algorithm developed to predict the effect of missense changes on protein structure and function (PolyPhen-2) suggests that this variant¬¨‚Ä†is likely to be tolerated. In summary, the available evidence is currently insufficient to determine the role of this variant in disease. Therefore, it has been classified as a Variant of Uncertain Significance.

Literature cited by the submitters: PubMed 25445213 (cited by Labcorp Genetics (formerly Invitae), Labcorp).